The following is an entry in ClinVar:

NM_133261.3(GIPC3):c.*287T>C

Gene: GIPC3 (GIPC PDZ domain containing family member 3; plus strand). Cytogenetic location: 19p13.3.
Variant type: single nucleotide variant.
Coding change: c.*287T>C on transcript NM_133261.3 (MANE Select); 287 bases downstream of the stop codon, T replaced by C.
Molecular consequence: 3 prime UTR variant. On other transcripts: synonymous variant (1).
Genome position (GRCh38, 1-based): chr19:3,590,477, T>C. VCF-style: chr19-3590477-T-C. GRCh37 (hg19) VCF-style: chr19-3590475-T-C.
Other names: c.1239T>C, p.Thr413= (NM_001411144.1).
Identifiers: ClinVar variation 4873381 (VCV004873381.2).

ClinVar aggregate classification (germline): Likely benign (1 of 4 stars; one submission).

Submission:

CeGaT Center for Human Genetics Tuebingen
Classification: Likely benign. Last evaluated: 2026-04-01. Review status: criteria provided, single submitter. Criteria: CeGaT Center For Human Genetics Tuebingen Variant Classification Criteria Version 2. Collection method: clinical testing. Allele origin: germline. Affected: yes. Observed: 1 variant allele.
Comment: GIPC3: BP4, BP7